The following is an entry in ClinVar:

ClinVar aggregate classification (germline): Uncertain significance (1 of 4 stars; one submission).

Conditions:
KSR2-related disorder. Also called: KSR2-related condition.

gnomAD v4.1: 47 of 1,601,990 alleles (0.0029%); highest among the groups gnomAD compares: South Asian, 0.0091%; no homozygotes.

Submission:

PreventionGenetics, part of Exact Sciences
Classification: Uncertain significance for KSR2-related condition. Last evaluated: 2026-08-12. Review status: criteria provided, single submitter. Criteria: ACMG Guidelines, 2015. Collection method: clinical testing. Allele origin: germline.
Comment: The KSR2 c.2482G>A variant is predicted to result in the amino acid substitution p.Val828Ile. This variant has been reported as a de novo finding in a cohort study of patients with neurodevelopmental disorders (Turner et al. 2019. PubMed ID: 31785789). This variant is also reported in 0.0072% of alleles in individuals of South Asian descent in gnomAD. At this time, the clinical significance of this variant is uncertain due to the absence of conclusive functional and genetic evidence.

NM_173598.6(KSR2):c.2569G>A (p.Val857Ile)

Gene: KSR2 (kinase suppressor of ras 2; minus strand). Cytogenetic location: 12q24.22.
Variant type: single nucleotide variant.
Coding change: c.2569G>A on transcript NM_173598.6 (MANE Select); coding-DNA position 2569, G replaced by A.
Protein change: p.Val857Ile; replaces valine 857 with isoleucine.
Molecular consequence: missense variant.
Genome position (GRCh38, 1-based): chr12:117,476,477, C>T on the plus strand (G>A on the coding strand, the complement: KSR2 is on the minus strand). VCF-style: chr12-117476477-C-T. GRCh37 (hg19) VCF-style: chr12-117914282-C-T.
Other names: short protein forms V857I.
Identifiers: ClinVar variation 4977473 (VCV004977473.1).